The following is an entry in ClinVar:

ClinVar aggregate classification (germline): Uncertain significance (1 of 4 stars; one submission).

Conditions:
Familial focal epilepsy with variable foci (FPEVF). Identifiers: Orphanet 98820, MedGen C1858477, MONDO:0020310.

Allele frequency attached by ClinVar (database versions not stated): gnomAD exomes below 0.00001.
gnomAD v4.1: 1 of 1,614,220 alleles (0.000062%); highest among the groups gnomAD compares: East Asian, 0.0022%; no homozygotes.

Submission:

Labcorp Genetics (formerly Invitae), Labcorp
Classification: Uncertain significance for Familial focal epilepsy with variable foci. Last evaluated: 2024-01-07. Review status: criteria provided, single submitter. Criteria: Invitae Variant Classification Sherloc (09022015). Collection method: clinical testing. Allele origin: germline.
Comment: This sequence change replaces leucine, which is neutral and non-polar, with proline, which is neutral and non-polar, at codon 949 of the DEPDC5 protein (p.Leu949Pro). This variant is present in population databases (no rsID available, gnomAD 0.006%). This variant has not been reported in the literature in individuals affected with DEPDC5-related conditions. Experimental studies and prediction algorithms are not available or were not evaluated, and the functional significance of this variant is currently unknown. In summary, the available evidence is currently insufficient to determine the role of this variant in disease. Therefore, it has been classified as a Variant of Uncertain Significance.

NM_001242896.3(DEPDC5):c.2846T>C (p.Leu949Pro)

Gene: DEPDC5 (DEP domain containing 5, GATOR1 subcomplex subunit; plus strand). Cytogenetic location: 22q12.3.
Variant type: single nucleotide variant.
Coding change: c.2846T>C on transcript NM_001242896.3 (MANE Select); coding-DNA position 2846, T replaced by C.
Protein change: p.Leu949Pro; replaces leucine 949 with proline.
Molecular consequence: missense variant. On other transcripts: non-coding transcript variant (5).
Genome position (GRCh38, 1-based): chr22:31,845,062, T>C. VCF-style: chr22-31845062-T-C. GRCh37 (hg19) VCF-style: chr22-32241048-T-C.
Other names: c.2819T>C, p.Leu940Pro (NM_001136029.4, NM_001369903.1, NM_014662.6); c.2612T>C, p.Leu871Pro (NM_001242897.2, NM_001363854.2, NM_001364319.2); c.2846T>C, p.Leu949Pro (NM_001363852.2, NM_001364318.2, NM_001364320.2); c.2762T>C, p.Leu921Pro (NM_001369901.1, NM_001369902.1); short protein forms L921P, L949P, L871P, L940P.
Identifiers: ClinVar variation 2708116 (VCV002708116.3), dbSNP rs1192469281, ClinGen allele CA411291004.